The following is an entry in ClinVar:

ClinVar aggregate classification (germline): Uncertain significance (1 of 4 stars; one submission).

gnomAD v4.1: 11 of 1,614,008 alleles (0.00068%); highest among the groups gnomAD compares: East Asian, 0.0022%; no homozygotes.

Submission:

Labcorp Genetics (formerly Invitae), Labcorp
Classification: Uncertain significance. Last evaluated: 2023-08-10. Review status: criteria provided, single submitter. Criteria: Invitae Variant Classification Sherloc (09022015). Collection method: clinical testing. Allele origin: germline.
Comment: In summary, the available evidence is currently insufficient to determine the role of this variant in disease. Therefore, it has been classified as a Variant of Uncertain Significance. Advanced modeling of protein sequence and biophysical properties (such as structural, functional, and spatial information, amino acid conservation, physicochemical variation, residue mobility, and thermodynamic stability) performed at Invitae indicates that this missense variant is not expected to disrupt FAM161A protein function. ClinVar contains an entry for this variant (Variation ID: 1983335). This variant has not been reported in the literature in individuals affected with FAM161A-related conditions. This variant is present in population databases (rs199759978, gnomAD 0.006%). This sequence change replaces threonine, which is neutral and polar, with isoleucine, which is neutral and non-polar, at codon 235 of the FAM161A protein (p.Thr235Ile).

NM_001201543.2(FAM161A):c.704C>T (p.Thr235Ile)

Gene: FAM161A (FAM161 centrosomal protein A; minus strand). Cytogenetic location: 2p15.
Variant type: single nucleotide variant.
Coding change: c.704C>T on transcript NM_001201543.2 (MANE Select); coding-DNA position 704, C replaced by T.
Protein change: p.Thr235Ile; replaces threonine 235 with isoleucine.
Molecular consequence: missense variant. On other transcripts: non-coding transcript variant (1).
Genome position (GRCh38, 1-based): chr2:61,840,300, G>A on the plus strand (C>T on the coding strand, the complement: FAM161A is on the minus strand). VCF-style: chr2-61840300-G-A. GRCh37 (hg19) VCF-style: chr2-62067435-G-A.
Other names: c.704C>T, p.Thr235Ile (NM_032180.3); short protein forms T235I.
Identifiers: ClinVar variation 1983335 (VCV001983335.4), dbSNP rs199759978, ClinGen allele CA1679304.